The following is an entry in ClinVar:

ClinVar aggregate classification (germline): Uncertain significance. Review status: criteria provided, multiple submitters, no conflicts (2 of 4 stars). 4 submissions from 4 submitters: Uncertain significance (3). 1 of the submissions does not count toward it. Last evaluated 2025-06-16.

Conditions:
Glycogen storage disease, type II (IOPD). Also called: Glucosidase acid-1,4-alpha deficiency; Pompe Disease; POMPE DISEASE, INFANTILE-ONSET; GLYCOGEN STORAGE DISEASE II, INFANTILE-ONSET; ACID ALPHA-GLUCOSIDASE DEFICIENCY, INFANTILE-ONSET; GAA DEFICIENCY, INFANTILE-ONSET. Identifiers: Orphanet 365, MedGen C0017921, MONDO:0009290, OMIM 232300.

Allele frequency attached by ClinVar (database versions not stated): TOPMed below 0.00001; gnomAD 0.00001; gnomAD exomes 0.00001.
gnomAD v4.1: 7 of 1,612,164 alleles (0.00043%); highest among the groups gnomAD compares: Middle Eastern, 0.016%; no homozygotes.

Submissions (4):

Labcorp Genetics (formerly Invitae), Labcorp
Classification: Uncertain significance for Glycogen storage disease, type II. Last evaluated: 2025-06-16. Review status: criteria provided, single submitter. Criteria: Invitae Variant Classification Sherloc (09022015). Collection method: clinical testing. Allele origin: germline.
Comment: This sequence change replaces tyrosine, which is neutral and polar, with cysteine, which is neutral and slightly polar, at codon 378 of the GAA protein (p.Tyr378Cys). This variant is present in population databases (no rsID available, gnomAD 0.01%). This variant has not been reported in the literature in individuals affected with GAA-related conditions. ClinVar contains an entry for this variant (Variation ID: 843921). Invitae Evidence Modeling of protein sequence and biophysical properties (such as structural, functional, and spatial information, amino acid conservation, physicochemical variation, residue mobility, and thermodynamic stability) indicates that this missense variant is expected to disrupt GAA protein function with a positive predictive value of 95%. In summary, the available evidence is currently insufficient to determine the role of this variant in disease. Therefore, it has been classified as a Variant of Uncertain Significance.

Revvity Omics, Revvity
Classification: Uncertain significance. Last evaluated: 2022-04-14. Review status: criteria provided, single submitter. Criteria: ACMG Guidelines, 2015. Collection method: clinical testing. Allele origin: germline.

Fulgent Genetics
Classification: Uncertain significance for Glycogen storage disease, type II. Last evaluated: 2021-11-02. Review status: criteria provided, single submitter. Criteria: ACMG Guidelines, 2015. Collection method: clinical testing. Allele origin: unknown.

Natera, Inc.
Classification: Uncertain significance for Glycogen storage disease type II. Last evaluated: 2020-09-16. Review status: no assertion criteria provided. Collection method: clinical testing. Allele origin: germline. Not counted in ClinVar's aggregate classification.

NM_000152.5(GAA):c.1133A>G (p.Tyr378Cys)

Gene: GAA (alpha glucosidase; plus strand). Cytogenetic location: 17q25.3.
Variant type: single nucleotide variant.
Coding change: c.1133A>G on transcript NM_000152.5 (MANE Select); coding-DNA position 1133, A replaced by G.
Protein change: p.Tyr378Cys; replaces tyrosine 378 with cysteine.
Molecular consequence: missense variant.
Genome position (GRCh38, 1-based): chr17:80,108,546, A>G. VCF-style: chr17-80108546-A-G. GRCh37 (hg19) VCF-style: chr17-78082345-A-G.
Other names: c.1133A>G, p.Tyr378Cys (NM_001079803.3, NM_001079804.3); short protein forms Y378C.
Identifiers: ClinVar variation 843921 (VCV000843921.11), dbSNP rs963719602, ClinGen allele CA294892229.
Genomic context (GRCh38, chr17:80,108,546, plus strand): 5'-CAGGATACCCGTTCATGCCGCCATACTGGGGCCTGGGCTTCCACCTGTGCCGCTGGGGCT[A>G]CTCCTCCACCGCTATCACCCGCCAGGTGGTGGAGAACATGACCAGGGCCCACTTCCCCCT-3'
Protein context (NP_000143.2, residues 368-388): GLGFHLCRWG[Tyr378Cys]SSTAITRQVV